The following is an entry in ClinVar:

NM_006979.3(SLC39A7):c.802C>T (p.Arg268Cys)

Gene: SLC39A7 (solute carrier family 39 member 7; plus strand). Cytogenetic location: 6p21.32.
Variant type: single nucleotide variant.
Coding change: c.802C>T on transcript NM_006979.3 (MANE Select); coding-DNA position 802, C replaced by T.
Protein change: p.Arg268Cys; replaces arginine 268 with cysteine.
Molecular consequence: missense variant.
Genome position (GRCh38, 1-based): chr6:33,202,562, C>T. VCF-style: chr6-33202562-C-T. GRCh37 (hg19) VCF-style: chr6-33170339-C-T.
Other names: c.802C>T, p.Arg268Cys (NM_001077516.2); c.427C>T, p.Arg143Cys (NM_001288777.2); c.802C>T (NM_006979.2); short protein forms R268C, R143C.
Identifiers: ClinVar variation 1365396 (VCV001365396.6), dbSNP rs943235103, ClinGen allele CA137060339.

ClinVar aggregate classification (germline): Conflicting classifications of pathogenicity. Review status: criteria provided, conflicting classifications (1 of 4 stars). 2 submissions from 2 submitters: Uncertain significance (1); Likely benign (1). Last evaluated 2022-09-14.

Allele frequency attached by ClinVar (database versions not stated): gnomAD 0.00001; gnomAD exomes 0.00001 and 0.00002; TOPMed 0.00001.
gnomAD v4.1: 26 of 1,601,114 alleles (0.0016%); highest among the groups gnomAD compares: Non-Finnish European, 0.002%; no homozygotes.

Submissions (2):

Ambry Genetics
Classification: Likely benign. Last evaluated: 2022-09-14. Review status: criteria provided, single submitter. Criteria: Ambry Variant Classification Scheme 2023. Collection method: clinical testing. Allele origin: germline.

Labcorp Genetics (formerly Invitae), Labcorp
Classification: Uncertain significance. Last evaluated: 2021-08-14. Review status: criteria provided, single submitter. Criteria: Invitae Variant Classification Sherloc (09022015). Collection method: clinical testing. Allele origin: germline.
Comment: This sequence change replaces arginine with cysteine at codon 268 of the SLC39A7 protein (p.Arg268Cys). The arginine residue is weakly conserved and there is a large physicochemical difference between arginine and cysteine. This variant is not present in population databases (ExAC no frequency). This variant has not been reported in the literature in individuals affected with SLC39A7-related conditions. Algorithms developed to predict the effect of missense changes on protein structure and function output the following: SIFT: "Tolerated"; PolyPhen-2: "Benign"; Align-GVGD: "Class C0". The cysteine amino acid residue is found in multiple mammalian species, which suggests that this missense change does not adversely affect protein function. In summary, the available evidence is currently insufficient to determine the role of this variant in disease. Therefore, it has been classified as a Variant of Uncertain Significance.